The following is an entry in ClinVar:

ClinVar aggregate classification (germline): Uncertain significance (1 of 4 stars; one submission).

Allele frequency attached by ClinVar (database versions not stated): TOPMed below 0.00001.

Submission:

Labcorp Genetics (formerly Invitae), Labcorp
Classification: Uncertain significance. Last evaluated: 2021-10-05. Review status: criteria provided, single submitter. Criteria: Invitae Variant Classification Sherloc (09022015). Collection method: clinical testing. Allele origin: germline.
Comment: This variant has not been reported in the literature in individuals affected with CDCA7-related conditions. This variant is not present in population databases (ExAC no frequency). This sequence change replaces glycine with serine at codon 76 of the CDCA7 protein (p.Gly76Ser). The glycine residue is weakly conserved and there is a small physicochemical difference between glycine and serine. Algorithms developed to predict the effect of missense changes on protein structure and function output the following: SIFT: "Deleterious"; PolyPhen-2: "Probably Damaging"; Align-GVGD: "Class C0". The serine amino acid residue is found in multiple mammalian species, which suggests that this missense change does not adversely affect protein function. In summary, the available evidence is currently insufficient to determine the role of this variant in disease. Therefore, it has been classified as a Variant of Uncertain Significance. Algorithms developed to predict the effect of sequence changes on RNA splicing suggest that this variant may create or strengthen a splice site.

NM_031942.5(CDCA7):c.226G>A (p.Gly76Ser)

Gene: CDCA7 (cell division cycle associated 7; plus strand). Cytogenetic location: 2q31.1.
Variant type: single nucleotide variant.
Coding change: c.226G>A on transcript NM_031942.5 (MANE Select); coding-DNA position 226, G replaced by A.
Protein change: p.Gly76Ser; replaces glycine 76 with serine.
Molecular consequence: missense variant. On other transcripts: intron variant (1).
Genome position (GRCh38, 1-based): chr2:173,359,333, G>A. VCF-style: chr2-173359333-G-A. GRCh37 (hg19) VCF-style: chr2-174224061-G-A.
Other names: c.147+496G>A (NM_145810.3); short protein forms G76S.
Identifiers: ClinVar variation 1522882 (VCV001522882.4), dbSNP rs1459850073, ClinGen allele CA349321419.